The following is an entry in ClinVar:

NM_020975.6(RET):c.1880-2A>G

Gene: RET (ret proto-oncogene; plus strand). Cytogenetic location: 10q11.21.
Variant type: single nucleotide variant.
Coding change: c.1880-2A>G on transcript NM_020975.6 (MANE Select); the canonical splice acceptor site of the intron before coding-DNA position 1880, A replaced by G.
Molecular consequence: splice acceptor variant. On other transcripts: intron variant (4).
Genome position (GRCh38, 1-based): chr10:43,114,478, A>G. VCF-style: chr10-43114478-A-G. GRCh37 (hg19) VCF-style: chr10-43609926-A-G.
Other names: c.1751-2A>G (NM_001406764.1, NM_001406762.1, NM_001406761.1); c.1751-137A>G (NM_001406768.1); c.1355-2A>G (NM_001406774.1); c.854-2A>G (NM_001406786.1, NM_001406783.1); c.1592-2A>G (NM_001406770.1, NM_001406766.1, NM_001406767.1); c.1154-2A>G (NM_001406778.1, NM_001406775.1, NM_001406776.1 and 1 more transcripts); c.695-2A>G (NM_001406790.1, NM_001406788.1, NM_001406789.1); c.575-2A>G (NM_001406791.1); and 10 more.
Identifiers: ClinVar variation 36725 (VCV000036725.5), dbSNP rs193922699, ClinGen allele CA008131.

ClinVar aggregate classification (germline): Likely pathogenic (1 of 4 stars; one submission).

Conditions:
Hirschsprung disease, susceptibility to, 1 (HSCR1). Also called: RET-Related Hirschsprung Disease. Identifiers: Orphanet 388, MedGen C3888239, MONDO:0007723, OMIM 142623.

Submission:

Women's Health and Genetics/Laboratory Corporation of America, LabCorp
Classification: Likely pathogenic for Hirschsprung Disease. Last evaluated: 2011-08-18. Review status: criteria provided, single submitter. Criteria: LabCorp Variant Classification Summary - May 2015. Collection method: curation, clinical testing. Allele origin: germline. Inheritance: autosomal dominant. Affected: yes. Observed: 1 variant allele.
ClinVar note: Converted during submission from likely pathogenic to Likely pathogenic.

Literature cited by the submitters: PubMed 12628594; PubMed 18280283; PubMed 11436122; PubMed 19853744; PubMed 19572138.